The following is an entry in ClinVar:

NM_001330260.2(SCN8A):c.2711G>A (p.Cys904Tyr)

Gene: SCN8A (sodium voltage-gated channel alpha subunit 8; plus strand). Cytogenetic location: 12q13.13.
Variant type: single nucleotide variant.
Coding change: c.2711G>A on transcript NM_001330260.2 (MANE Select); coding-DNA position 2711, G replaced by A.
Protein change: p.Cys904Tyr; replaces cysteine 904 with tyrosine.
Molecular consequence: missense variant.
Genome position (GRCh38, 1-based): chr12:51,765,837, G>A. VCF-style: chr12-51765837-G-A. GRCh37 (hg19) VCF-style: chr12-52159621-G-A.
Other names: c.2711G>A, p.Cys904Tyr (NM_001177984.3, NM_001369788.1, NM_014191.4); c.2711G>A (NM_014191.3); short protein forms C904Y.
Identifiers: ClinVar variation 1717190 (VCV001717190.6), dbSNP rs2540260457, ClinGen allele CA384888068.

ClinVar aggregate classification (germline): Uncertain significance. Review status: criteria provided, multiple submitters, no conflicts (2 of 4 stars). 2 submissions from 2 submitters: Uncertain significance (2). Last evaluated 2025-05-04.

Conditions:
Early-infantile DEE. Also called: Early infantile epileptic encephalopathy with suppression bursts; Early infantile epileptic encephalopathy; Ohtahara syndrome. Identifiers: Orphanet 1934, MedGen C0393706, MONDO:0800491.

Submissions (2):

GeneDx
Classification: Uncertain significance. Last evaluated: 2025-05-04. Review status: criteria provided, single submitter. Criteria: GeneDx Variant Classification Process June 2021. Collection method: clinical testing. Allele origin: germline. Affected: yes.
Comment: Not observed at significant frequency in large population cohorts (gnomAD); In silico analysis supports that this missense variant has a deleterious effect on protein structure/function; In silico analysis suggests this variant may impact gene splicing. In the absence of RNA/functional studies, the actual effect of this sequence change is unknown.; This substitution is predicted to be within the extracellular loop between the S5 and S6 transmembrane segments of the second homologous domain; Has not been previously published as pathogenic or benign to our knowledge

Labcorp Genetics (formerly Invitae), Labcorp
Classification: Uncertain significance for Early-infantile DEE. Last evaluated: 2022-08-20. Review status: criteria provided, single submitter. Criteria: Invitae Variant Classification Sherloc (09022015). Collection method: clinical testing. Allele origin: germline.
Comment: In summary, the available evidence is currently insufficient to determine the role of this variant in disease. Therefore, it has been classified as a Variant of Uncertain Significance. Algorithms developed to predict the effect of sequence changes on RNA splicing suggest that this variant may create or strengthen a splice site. Algorithms developed to predict the effect of missense changes on protein structure and function are either unavailable or do not agree on the potential impact of this missense change (SIFT: "Deleterious"; PolyPhen-2: "Probably Damaging"; Align-GVGD: "Class C0"). This variant has not been reported in the literature in individuals affected with SCN8A-related conditions. This variant is not present in population databases (gnomAD no frequency). This sequence change replaces cysteine, which is neutral and slightly polar, with tyrosine, which is neutral and polar, at codon 904 of the SCN8A protein (p.Cys904Tyr).